The following is an entry in ClinVar:

ClinVar aggregate classification (germline): Pathogenic/Likely pathogenic. Review status: criteria provided, multiple submitters, no conflicts (2 of 4 stars). 3 submissions from 3 submitters: Pathogenic (1); Likely pathogenic (2). Last evaluated 2025-07-07.

Conditions:
Pheochromocytoma/paraganglioma syndrome 4. Also called: PARAGANGLIOMA, FAMILIAL MALIGNANT; PARAGANGLIOMAS, HEREDITARY EXTRAADRENAL; PHEOCHROMOCYTOMA, FAMILIAL EXTRAADRENAL; Paragangliomas 4; CAROTID BODY TUMORS AND MULTIPLE EXTRAADRENAL PHEOCHROMOCYTOMAS; SDHB-Related Hereditary Paraganglioma-Pheochromocytoma Syndrome (Paragangliomas 4). Identifiers: Orphanet 29072, MedGen C1861848, MONDO:0007273, OMIM 115310.
Gastrointestinal stromal tumor. Also called: Gastrointestinal stroma tumor; Gastrointestinal stromal tumor, somatic. Identifiers: Orphanet 44890, MedGen C0238198, MeSH D046152, MONDO:0011719, OMIM 606764, HP:0100723.
Pheochromocytoma. Also called: MAX-Related Hereditary Paraganglioma-Pheochromocytoma Syndrome. Identifiers: Orphanet 29072, MedGen C0031511, MONDO:0008233, OMIM 171300, HP:0002666.
Hereditary cancer-predisposing syndrome. Also called: Neoplastic Syndromes, Hereditary; Hereditary Cancer Syndrome; Hereditary neoplastic syndrome; Tumor predisposition. Identifiers: Orphanet 140162, MedGen C0027672, MeSH D009386, MONDO:0015356.
Hereditary pheochromocytoma and paraganglioma. Also called: Hereditary Paraganglioma-Pheochromocytoma Syndromes; Hereditary pheochromocytoma-paraganglioma; Hereditary paragangliomas and pheochromocytomas. Identifiers: Orphanet 29072, MedGen C4274332, MONDO:0017366.

Submissions (3):

Ambry Genetics
Classification: Pathogenic for Hereditary cancer-predisposing syndrome. Last evaluated: 2025-07-07. Review status: criteria provided, single submitter. Criteria: Ambry Variant Classification Scheme 2023. Collection method: clinical testing. Allele origin: germline.
Comment: The p.Q214R pathogenic mutation (also known as c.641A>G), located in coding exon 6 of the SDHB gene, results from an A to G substitution at nucleotide position 641. The glutamine at codon 214 is replaced by arginine, an amino acid with highly similar properties. This variant was reported in individual(s) with features consistent with SDHB-related hereditary pheochromocytoma-paraganglioma (Kimura N et al. Endocr Relat Cancer, 2014 Jun;21:L13-6; Yonamine M et al. Cancers (Basel), 2021 Aug;13; Ambry internal data). This variant is considered to be rare based on population cohorts in the Genome Aggregation Database (gnomAD). This nucleotide position is highly conserved in available vertebrate species. In silico splice site analysis predicts that this alteration may weaken the native splice donor site; however, direct evidence is insufficient at this time (Ambry internal data). This amino acid position is highly conserved in available vertebrate species. In addition, as a missense substitution this alteration is predicted to be deleterious by in silico analysis. Based on the supporting evidence, this variant is interpreted as a disease-causing mutation.

Labcorp Genetics (formerly Invitae), Labcorp
Classification: Likely pathogenic for Gastrointestinal stromal tumor; Pheochromocytoma/paraganglioma syndrome 4; Pheochromocytoma. Last evaluated: 2023-07-28. Review status: criteria provided, single submitter. Criteria: Invitae Variant Classification Sherloc (09022015). Collection method: clinical testing. Allele origin: germline.
Comment: In summary, the currently available evidence indicates that the variant is pathogenic, but additional data are needed to prove that conclusively. Therefore, this variant has been classified as Likely Pathogenic. Algorithms developed to predict the effect of sequence changes on RNA splicing suggest that this variant may disrupt the consensus splice site. An algorithm developed to predict the effect of missense changes on protein structure and function (PolyPhen-2) suggests that this variant is likely to be disruptive. ClinVar contains an entry for this variant (Variation ID: 412493). This missense change has been observed in individuals with pheochromocytoma or paraganglioma (PMID: 24659481; Invitae). It has also been observed to segregate with disease in related individuals. This variant is not present in population databases (gnomAD no frequency). This sequence change replaces glutamine, which is neutral and polar, with arginine, which is basic and polar, at codon 214 of the SDHB protein (p.Gln214Arg).

Laboratory for Molecular Medicine, Mass General Brigham Personalized Medicine
Classification: Likely pathogenic for Hereditary pheochromocytoma and paraganglioma. Last evaluated: 2023-05-23. Review status: criteria provided, single submitter. Criteria: ACMG Guidelines, 2015. Collection method: clinical testing. Allele origin: germline. Inheritance: Autosomal dominant inheritance.
Comment: The p.Gln214Arg variant in SDHB has been reported in 4 individuals with pheochromocytoma (PCC) or paraganglioma (PGG) and segregated with disease in 2 affected relatives from 1 family. Immunohistochemistry studies from tumors sampled from at least one of these individuals showed loss of expression of the SDHB protein (Kimura 2014 PMID: 24659481, Invitae pers. comm., Ambry pers. comm., ClinVar: Variation ID 412493). This variant was absent from large population studies. Computational prediction tools and conservation analyses are consistent with pathogenicity. In summary, although additional studies are required to fully establish its clinical significance, this variant meets criteria to be classified as likely pathogenic for autosomal dominant hereditary paraganglioma-pheochromocytoma syndrome. ACMG/AMP Criteria applied: PS4, PS3_Moderate, PM2_Supporting, PP3.

Literature cited by the submitters: PubMed 24659481 (cited by 3 submitters); PubMed 34439168 (cited by Ambry Genetics).

NM_003000.3(SDHB):c.641A>G (p.Gln214Arg)

Gene: SDHB (succinate dehydrogenase complex iron sulfur subunit B; minus strand). Cytogenetic location: 1p36.13.
Variant type: single nucleotide variant.
Coding change: c.641A>G on transcript NM_003000.3 (MANE Select); coding-DNA position 641, A replaced by G.
Protein change: p.Gln214Arg; replaces glutamine 214 with arginine.
Molecular consequence: missense variant.
Genome position (GRCh38, 1-based): chr1:17,023,974, T>C on the plus strand (A>G on the coding strand, the complement: SDHB is on the minus strand). VCF-style: chr1-17023974-T-C. GRCh37 (hg19) VCF-style: chr1-17350469-T-C.
Other names: short protein forms Q214R.
Identifiers: ClinVar variation 412493 (VCV000412493.10), dbSNP rs781590955, ClinGen allele CA16609928.